The following is an entry in ClinVar:

NM_000834.5(GRIN2B):c.2530T>C (p.Trp844Arg)

Gene: GRIN2B (glutamate ionotropic receptor NMDA type subunit 2B; minus strand). Cytogenetic location: 12p13.1.
Variant type: single nucleotide variant.
Coding change: c.2530T>C on transcript NM_000834.5 (MANE Select); coding-DNA position 2530, T replaced by C.
Protein change: p.Trp844Arg; replaces tryptophan 844 with arginine.
Molecular consequence: missense variant.
Genome position (GRCh38, 1-based): chr12:13,567,093, A>G on the plus strand (T>C on the coding strand, the complement: GRIN2B is on the minus strand). VCF-style: chr12-13567093-A-G. GRCh37 (hg19) VCF-style: chr12-13720027-A-G.
Other names: short protein forms W844R.
Identifiers: ClinVar variation 373402 (VCV000373402.16), dbSNP rs138088984, ClinGen allele CA6461045.

ClinVar aggregate classification (germline): Conflicting classifications of pathogenicity. Review status: criteria provided, conflicting classifications (1 of 4 stars). 4 submissions from 4 submitters: Uncertain significance (2); Likely benign (2). Last evaluated 2025-12-24.

Conditions:
Inborn genetic diseases. Identifiers: MedGen C0950123, MeSH D030342.
Intellectual developmental disorder, autosomal dominant 6, with or without seizures. Also called: Intellectual disability, autosomal dominant 6; GRIN2B-related developmental delay, intellectual disability and autism spectrum disorder. Identifiers: Orphanet 589547, MedGen C3151411, MONDO:0013509, OMIM 613970.
Developmental and epileptic encephalopathy, 27 (DEE27). Also called: GRIN2B-Related Neurodevelopmental Disorder; Epileptic encephalopathy, early infantile, 27. Identifiers: Orphanet 3451, MedGen C4015316, MONDO:0014505, OMIM 616139.

Allele frequency attached by ClinVar (database versions not stated): gnomAD exomes 0.00002; gnomAD 0.00001; ESP Exome Variant Server 0.00008; ExAC 0.00001; TOPMed 0.00002.
gnomAD v4.1: 25 of 1,614,092 alleles (0.0015%); highest among the groups gnomAD compares: Non-Finnish European, 0.0021%; no homozygotes.

Submissions (4):

Ambry Genetics
Classification: Likely benign for Inborn genetic diseases. Last evaluated: 2025-12-24. Review status: criteria provided, single submitter. Criteria: Ambry Variant Classification Scheme 2023. Collection method: clinical testing. Allele origin: germline.

Labcorp Genetics (formerly Invitae), Labcorp
Classification: Likely benign for Developmental and epileptic encephalopathy, 27; Intellectual developmental disorder, autosomal dominant 6, with or without seizures. Last evaluated: 2024-09-10. Review status: criteria provided, single submitter. Criteria: Invitae Variant Classification Sherloc (09022015). Collection method: clinical testing. Allele origin: germline.

GeneDx
Classification: Uncertain significance. Last evaluated: 2016-11-28. Review status: criteria provided, single submitter. Criteria: GeneDx Variant Classification (06012015). Collection method: clinical testing. Allele origin: germline. Affected: yes.
Comment: A variant of uncertain significance has been identified in the GRIN2B gene. The W844R variant has not been published as a pathogenic variant, nor has it been reported as a benign variant to our knowledge. The W844R variant is not observed at a significant frequency in large population cohorts (Lek et al., 2016; 1000 Genomes Consortium et al., 2015; Exome Variant Server). The W844R variant is a non-conservative amino acid substitution, which is likely to impact secondary protein structure as these residues differ in polarity, charge, size and/or other properties. This substitution occurs at a position that is conserved in mammals, and in silico analysis predicts this variant is probably damaging to the protein structure/function. Based on the currently available information, it is unclear whether this variant is a pathogenic variant or a rare benign variant.

Genetic Services Laboratory, University of Chicago
Classification: Uncertain significance. Last evaluated: 2016-07-14. Review status: criteria provided, single submitter. Criteria: ACMG Guidelines, 2015. Collection method: clinical testing. Allele origin: germline. Affected: no.